The following is an entry in ClinVar:

ClinVar aggregate classification (germline): Likely pathogenic (1 of 4 stars; one submission).

Conditions:
Hereditary breast ovarian cancer syndrome. Also called: Hereditary breast and ovarian cancer syndrome; Hereditary breast and ovarian cancer; Breast and ovarian cancer; Hereditary breast and ovarian cancer syndrome (HBOC); BRCA1- and BRCA2-Associated Hereditary Breast and Ovarian Cancer; Hereditary breast and/or ovarian cancer syndrome. Identifiers: Orphanet 145, MedGen C0677776, MeSH D061325, MONDO:0003582. Disease mechanism: loss of function.

Submission:

German Consortium for Hereditary Breast and Ovarian Cancer, University Hospital Cologne
Classification: Likely pathogenic for Hereditary breast ovarian cancer syndrome. Last evaluated: 2026-07-14. Review status: criteria provided, single submitter. Criteria: ClinGen MSH6 V2.0.0. Collection method: curation. Allele origin: germline.
Comment: This classification follows the ClinGen InSiGHT ACMG MSH6 v2.0.0 classification scheme; We chose these criteria: PS1 (pathogenic Strong:): NM_000179.3(MSH6):c.4002-31_4002-8inv Reviewed by expert panel InSiGHT (05.09.2013): Variant causes splicing aberration (complete inactivation of variant allele); SpliceAI = 0.93, PM2 (supporting pathogenic): Absent from gnomAD v2/3/4, PP3 (supporting pathogenic): Splice AI: AL = 0.92 & AG = 0.75

NM_000179.3(MSH6):c.4002-11_4002-10insAATTTTAGT

Gene: MSH6 (mutS homolog 6; plus strand). Cytogenetic location: 2p16.3.
Variant type: Insertion.
Coding change: c.4002-11_4002-10insAATTTTAGT on transcript NM_000179.3 (MANE Select); 11 bases into the intron before coding-DNA position 4002 through 10 bases into the intron before coding-DNA position 4002, AATTTTAGT inserted.
Molecular consequence: intron variant.
Genome position: GRCh38 VCF-style: chr2-47806767-T-TTAATTTTAG. GRCh37 (hg19) VCF-style: chr2-48033906-T-TTAATTTTAG.
Other names: c.4002-11_4002-10insAATTTTAGT (NM_001406809.1, NM_001406796.1); c.3096-11_3096-10insAATTTTAGT (NM_001406811.1, NM_001406814.1, NM_001281493.2 and 6 more transcripts); c.3705-11_3705-10insAATTTTAGT (NM_001406805.1, NM_001406797.1, NM_001406818.1 and 8 more transcripts); c.4098-11_4098-10insAATTTTAGT (NM_001406795.1); c.3898-11_3898-10insAATTTTAGT (NM_001406802.1); c.4008-11_4008-10insAATTTTAGT (NM_001406813.1); c.3477-11_3477-10insAATTTTAGT (NM_001406807.1, NM_001406799.1, NM_001406806.1); c.4002-16_4002-15insAATTTTAGT (NM_001406808.1); and 11 more.
Identifiers: ClinVar variation 4880484 (VCV004880484.1).
Genomic context (GRCh38, chr2:47,806,767, plus strand): 5'-CAGTAAAAGGGGAAGGGATGATGCACTATGAAAAAACAAAAAAACTTTTTTTTTTTTTTT[T>TTAATTTTAG]TTAATTTTAAGGGAAGTTTGCCTGGCTAGTGAAAGGTCAACTGTAGATGCTGAAGCTGTC-3'